The following is an entry in ClinVar:

ClinVar aggregate classification (germline): Uncertain significance (1 of 4 stars; one submission).

Submission:

Labcorp Genetics (formerly Invitae), Labcorp
Classification: Uncertain significance. Last evaluated: 2021-11-15. Review status: criteria provided, single submitter. Criteria: Invitae Variant Classification Sherloc (09022015). Collection method: clinical testing. Allele origin: germline.
Comment: In summary, the available evidence is currently insufficient to determine the role of this variant in disease. Therefore, it has been classified as a Variant of Uncertain Significance. Algorithms developed to predict the effect of missense changes on protein structure and function are either unavailable or do not agree on the potential impact of this missense change (SIFT: "Deleterious"; PolyPhen-2: "Benign"; Align-GVGD: "Class C65"). This variant has not been reported in the literature in individuals affected with IFT74-related conditions. This variant is not present in population databases (gnomAD no frequency). This sequence change replaces serine, which is neutral and polar, with alanine, which is neutral and non-polar, at codon 26 of the IFT74 protein (p.Ser26Ala).

NM_025103.4(IFT74):c.76T>G (p.Ser26Ala)

Gene: IFT74 (intraflagellar transport 74; plus strand). Cytogenetic location: 9p21.2.
Variant type: single nucleotide variant.
Coding change: c.76T>G on transcript NM_025103.4 (MANE Select); coding-DNA position 76, T replaced by G.
Protein change: p.Ser26Ala; replaces serine 26 with alanine.
Molecular consequence: missense variant.
Genome position (GRCh38, 1-based): chr9:26,962,043, T>G. VCF-style: chr9-26962043-T-G. GRCh37 (hg19) VCF-style: chr9-26962041-T-G.
Other names: c.76T>G, p.Ser26Ala (NM_001099222.3, NM_001099223.3, NM_001099224.3 and 1 more transcripts); short protein forms S26A.
Identifiers: ClinVar variation 1415493 (VCV001415493.6), dbSNP rs1053474425, ClinGen allele CA191293694.